The following is an entry in ClinVar:

ClinVar aggregate classification (germline): Likely benign (1 of 4 stars; one submission).

Allele frequency attached by ClinVar (database versions not stated): gnomAD 0.00003; ExAC 0.00023; 1000 Genomes Project 30x 0.00062.

Submission:

CeGaT Center for Human Genetics Tuebingen
Classification: Likely benign. Last evaluated: 2023-08-01. Review status: criteria provided, single submitter. Criteria: CeGaT Center For Human Genetics Tuebingen Variant Classification Criteria Version 2. Collection method: clinical testing. Allele origin: germline. Affected: yes. Observed: 1 variant allele.
Comment: MUC4: BP4, BP7

NM_018406.7(MUC4):c.10554C>T (p.Ala3518=)

Gene: MUC4 (mucin 4, cell surface associated). Cytogenetic location: 3q29.
Variant type: single nucleotide variant.
Coding change: c.10554C>T on transcript NM_018406.7 (MANE Select); coding-DNA position 10554, C replaced by T.
Protein change: p.Ala3518=; no amino-acid change (alanine 3518 retained).
Molecular consequence: synonymous variant. On other transcripts: genic upstream transcript variant (2).
Genome position (GRCh38, 1-based): chr3:195,781,026, G>A on the plus strand (C>T on the coding strand, the complement: MUC4 is on the minus strand). VCF-style: chr3-195781026-G-A. GRCh37 (hg19) VCF-style: chr3-195507897-G-A.
Other names: c.15324C>T, p.Thr5108= (NM_001322468.1); c.83-6721C>T (NM_138297.5); c.83-2571C>T (NM_004532.6).
Identifiers: ClinVar variation 2654422 (VCV002654422.24), dbSNP rs992160481, ClinGen allele CA2770043.